The following is an entry in ClinVar:

ClinVar aggregate classification (germline): Uncertain significance. Review status: criteria provided, multiple submitters, no conflicts (2 of 4 stars). 2 submissions from 2 submitters: Uncertain significance (2). Last evaluated 2025-08-20.

Conditions:
Familial melanoma. Also called: Hereditary melanoma; Hereditary cutaneous melanoma. Identifiers: Orphanet 618, MedGen C1512419, MONDO:0018961.
Hereditary cancer-predisposing syndrome. Also called: Tumor predisposition; Hereditary neoplastic syndrome; Neoplastic Syndromes, Hereditary; Hereditary Cancer Syndrome. Identifiers: Orphanet 140162, MedGen C0027672, MeSH D009386, MONDO:0015356.

gnomAD v4.1: 1 of 1,605,576 alleles (0.000062%); highest among the groups gnomAD compares: African/African-American, 0.0013%; no homozygotes.

Submissions (2):

Ambry Genetics
Classification: Uncertain significance for Hereditary cancer-predisposing syndrome. Last evaluated: 2025-08-20. Review status: criteria provided, single submitter. Criteria: Ambry Variant Classification Scheme 2023. Collection method: clinical testing. Allele origin: germline.
Comment: The p.V106M variant (also known as c.316G>A), located in coding exon 2 of the CDKN2A gene, results from a G to A substitution at nucleotide position 316. The valine at codon 106 is replaced by methionine, an amino acid with highly similar properties. Of note, this variant is also known as c.359G>A (p.R120H) in the p14(ARF) isoform. In an assay testing CDKN2A function, this variant showed a functionally normal result (Arap W et al. Oncogene, 1997 Feb;14:603-9). This amino acid position is not well conserved in available vertebrate species. In addition, the in silico prediction for this alteration is inconclusive. Based on the available evidence, the clinical significance of this variant remains unclear.

Labcorp Genetics (formerly Invitae), Labcorp
Classification: Uncertain significance for Familial melanoma. Last evaluated: 2021-07-02. Review status: criteria provided, single submitter. Criteria: Invitae Variant Classification Sherloc (09022015). Collection method: clinical testing. Allele origin: germline.
Comment: The CDKN2A gene encodes two different proteins, p16INK4a and p14ARF, which are translated from alternative transcripts that have different open reading frames. This sequence change replaces valine with methionine at codon 106 of the CDKN2A (p16INK4a) protein (p.Val106Met). The valine residue is moderately conserved and there is a small physicochemical difference between valine and methionine. Alternatively, this sequence change replaces arginine with histidine at codon 120 of the CDKN2A (p14ARF) protein (p.Arg120His). The arginine residue is moderately conserved and there is a small physicochemical difference between arginine and histidine. This variant is not present in population databases (ExAC no frequency). This variant has not been reported in the literature in individuals affected with CDKN2A (p16INK4a)-related conditions. Algorithms developed to predict the effect of missense changes on protein structure and function are either unavailable or do not agree on the potential impact of p.Val106Met in p16INK4a (SIFT: "Tolerated"; PolyPhen-2: "Possibly Damaging"; Align-GVGD: "Class C0") or on the effect of p.Arg120His in p14ARF (SIFT: "Tolerated"; PolyPhen-2: "Not Available"; Align-GVGD: "Class C0"). These predictions have not been confirmed by published functional studies and their clinical significance is uncertain. Experimental studies have shown that p.Val106Met does not substantially affect CDKN2A (p16INK4a) protein function (PMID: 9053859). In addition, experimental studies have shown that p.Arg120His does not substantially affect CDKN2A (p14ARF) protein function (PMID: 9366518) In summary, the available evidence is currently insufficient to determine the role of this variant in disease. Therefore, it has been classified as a Variant of Uncertain Significance.

Literature cited by the submitters: PubMed 9053859 (cited by Ambry Genetics and Labcorp Genetics (formerly Invitae), Labcorp); PubMed 9366518 (cited by Labcorp Genetics (formerly Invitae), Labcorp).

NM_000077.5(CDKN2A):c.316G>A (p.Val106Met)

Gene: CDKN2A (cyclin dependent kinase inhibitor 2A; minus strand). Cytogenetic location: 9p21.3.
Variant type: single nucleotide variant.
Coding change: c.316G>A on transcript NM_000077.5; coding-DNA position 316, G replaced by A.
Protein change: p.Val106Met; replaces valine 106 with methionine.
Molecular consequence: missense variant (on NM_000077.6). On other transcripts: 3 prime UTR variant (1).
Genome position (GRCh38, 1-based): chr9:21,971,043, C>T on the plus strand (G>A on the coding strand, the complement: CDKN2A is on the minus strand). VCF-style: chr9-21971043-C-T. GRCh37 (hg19) VCF-style: chr9-21971042-C-T.
Other names: c.316G>A, p.Val106Met (NM_000077.6, NM_001195132.2); c.163G>A, p.Val55Met (NM_001363763.2); c.359G>A, p.Arg120His (NM_058195.4); c.*239G>A (NM_058197.5); short protein forms R120H, V55M, V106M.
Identifiers: ClinVar variation 1392243 (VCV001392243.9), dbSNP rs775860099, ClinGen allele CA373086076.